The following is an entry in ClinVar:

ClinVar aggregate classification (germline): Pathogenic. Review status: criteria provided, multiple submitters, no conflicts (2 of 4 stars). 11 submissions from 11 submitters: Pathogenic (9). 2 of the submissions do not count toward it. Last evaluated 2025-10-07.

Conditions:
Gastrointestinal stromal tumor. Also called: Gastrointestinal stromal tumor, somatic; Gastrointestinal stroma tumor. Identifiers: Orphanet 44890, MedGen C0238198, MeSH D046152, MONDO:0011719, OMIM 606764, HP:0100723.
SDHB-related disorder. Also called: SDHB-related condition; SDHB-related disorders. Identifiers: MedGen CN239418.
Pheochromocytoma/paraganglioma syndrome 4. Also called: SDHB-Related Hereditary Paraganglioma-Pheochromocytoma Syndrome; Paragangliomas 4; PARAGANGLIOMA, FAMILIAL MALIGNANT; PARAGANGLIOMAS, HEREDITARY EXTRAADRENAL; PHEOCHROMOCYTOMA, FAMILIAL EXTRAADRENAL; CAROTID BODY TUMORS AND MULTIPLE EXTRAADRENAL PHEOCHROMOCYTOMAS. Identifiers: Orphanet 29072, MedGen C1861848, MONDO:0007273, OMIM 115310.
Pheochromocytoma. Also called: MAX-Related Hereditary Paraganglioma-Pheochromocytoma Syndrome. Identifiers: Orphanet 29072, MedGen C0031511, MONDO:0008233, OMIM 171300, HP:0002666.
Hereditary cancer-predisposing syndrome. Also called: Hereditary neoplastic syndrome; Tumor predisposition; Neoplastic Syndromes, Hereditary; Hereditary Cancer Syndrome. Identifiers: Orphanet 140162, MedGen C0027672, MeSH D009386, MONDO:0015356.
Hereditary pheochromocytoma and paraganglioma. Also called: Hereditary paragangliomas and pheochromocytomas; Hereditary pheochromocytoma-paraganglioma; Hereditary Paraganglioma-Pheochromocytoma Syndromes. Identifiers: Orphanet 29072, MedGen C4274332, MONDO:0017366.

Allele frequency attached by ClinVar (database versions not stated): gnomAD 0.00003.
gnomAD v4.1: 3 of 1,613,380 alleles (0.00019%); highest among the groups gnomAD compares: East Asian, 0.0022%; no homozygotes.

Submissions (11):

Labcorp Genetics (formerly Invitae), Labcorp
Classification: Pathogenic for Gastrointestinal stromal tumor; Pheochromocytoma/paraganglioma syndrome 4; Pheochromocytoma. Last evaluated: 2025-10-07. Review status: criteria provided, single submitter. Criteria: Invitae Variant Classification Sherloc (09022015). Collection method: clinical testing. Allele origin: germline.
Comment: This sequence change creates a premature translational stop signal (p.Arg27*) in the SDHB gene. It is expected to result in an absent or disrupted protein product. Loss-of-function variants in SDHB are known to be pathogenic (PMID: 19454582, 19802898). This variant is present in population databases (rs74315369, gnomAD 0.005%). This premature translational stop signal has been observed in individual(s) with pheochromocytoma (PMID: 12000816, 12362046, 14685938, 18382370, 19415531, 25215250). This variant is also known as C213T. ClinVar contains an entry for this variant (Variation ID: 12783). For these reasons, this variant has been classified as Pathogenic.

Myriad Genetics, Inc.
Classification: Pathogenic for Pheochromocytoma/paraganglioma syndrome 4. Last evaluated: 2024-02-08. Review status: criteria provided, single submitter. Criteria: Myriad Autosomal Dominant, Autosomal Recessive and X-Linked Classification Criteria (2023). Collection method: clinical testing. Allele origin: unknown.
Comment: This variant is considered pathogenic. This variant creates a termination codon and is predicted to result in premature protein truncation.

Blueprint Genetics
Classification: Pathogenic for SDHB-related disorders. Last evaluated: 2024-02-07. Review status: criteria provided, single submitter. Criteria: ACMG Guidelines, 2015. Collection method: clinical testing. Allele origin: germline. Affected: yes. Observed: 4 variant alleles.

GeneDx
Classification: Pathogenic. Last evaluated: 2024-01-30. Review status: criteria provided, single submitter. Criteria: GeneDx Variant Classification Process June 2021. Collection method: clinical testing. Allele origin: germline. Affected: yes.
Comment: Nonsense variant predicted to result in protein truncation or nonsense mediated decay in a gene for which loss of function is a known mechanism of disease; Observed in individuals with SDHB-related tumors (PMID: 12362046, 15328326, 18382370, 19415531, 23902947, 25215250, 28374168); Published functional studies demonstrate a damaging effect: absent SDHB protein production, absent SHD enzymatic activity, and abolished association with SDHA (PMID: 25972245); Not observed at significant frequency in large population cohorts (gnomAD); Also known as SDHB 213C>T; This variant is associated with the following publications: (PMID: 31579262, 31666924, 34439168, 29625052, 12000816, 19184535, 26916530, 12362046, 14685938, 15476441, 15328326, 18728280, 17102084, 12213855, 22517557, 25215250, 23902947, 19343621, 19415531, 18382370, 28374168, 30694796, 31492822, 31447099, 30787465, 30201732, 19802898, 27159321, 28784873, 36451132, 25972245)

Ambry Genetics
Classification: Pathogenic for Hereditary cancer-predisposing syndrome. Last evaluated: 2023-09-06. Review status: criteria provided, single submitter. Criteria: Ambry Variant Classification Scheme 2023. Collection method: clinical testing. Allele origin: germline.
Comment: The p.R27* pathogenic mutation (also known as c.79C>T), located in coding exon 2 of the SDHB gene, results from a C to T substitution at nucleotide position 79. This changes the amino acid from an arginine to a stop codon within coding exon 2. The predicted stop codon occurs within the first 150 nucleotides of SDHB gene. This alteration may escape nonsense-mediated mRNAdecay and/or be rescued by re-initiation (Rivas et al. Science. 2015 May 8;348(6235):666-9; Lindeboom et al. Nat Genet. 2016 Oct;48(10):1112-8; Rhee et al. Sci Rep. 2017 May 10;7(1):1653), and it impacts the first 57 amino acids of the protein. However, the impacted region is critical for protein function, and a significant portion of the protein is affected (Ambry internal data). This mutation has previously been reported in multiple cases of both sporadic and familial PGL-PCC as well as renal cell carcinoma (Casc&oacute;n A et al. J. Med. Genet., 2002 Oct;39:E64; Vanharanta S et al. Am. J. Hum. Genet., 2004 Jan;74:153-9; Neumann HP et al. JAMA, 2004 Aug;292:943-51; Naito M et al. Endocrine, 2009 Aug;36:10-5; Graham D et al. Case Rep Genet, 2014 Aug;2014:273423; Casey RT et al. J. Clin. Endocrinol. Metab., 2017 11;102:4013-4022; Fife K et al. BMJ Case Rep, 2017 Aug;2017; Benn DE et al. J. Med. Genet., 2018 11;55:729-734; Albattal S et al. Oncotarget, 2019 Oct;10:5919-5931). Functional studies of this alteration have demonstrated the absence of SDH enzymatic activity as well as the absence of SDHB protein in cell-based assays, indicating nonsense-mediated mRNA decay or protein degradation as a mechanism for absent enzymatic activity (Kim E et al. Endocr. Relat. Cancer, 2015 Jun;22:387-97). Based on the supporting evidence, this alteration is interpreted as a disease-causing mutation.

Baylor Genetics
Classification: Pathogenic for Gastrointestinal stromal tumor. Last evaluated: 2023-08-13. Review status: criteria provided, single submitter. Criteria: ACMG Guidelines, 2015. Collection method: clinical testing. Allele origin: unknown.

Women's Health and Genetics/Laboratory Corporation of America, LabCorp
Classification: Pathogenic for Hereditary pheochromocytoma and paraganglioma. Last evaluated: 2023-07-19. Review status: criteria provided, single submitter. Criteria: LabCorp Variant Classification Summary - May 2015. Collection method: clinical testing. Allele origin: germline.
Comment: Variant summary: SDHB c.79C>T (p.Arg27X) results in a premature termination codon, predicted to cause a truncation of the encoded protein or absence of the protein due to nonsense mediated decay, which are commonly known mechanisms for disease. Variants downstream of this position have been classified as pathogenic by our laboratory. The variant allele was found at a frequency of 8e-06 in 250516 control chromosomes. c.79C>T has been reported in the literature in related individuals affected with Cardiac Paraganglioma, Renal cancer and Lung cancer (Example: Vanharanta_2004). To our knowledge, no experimental evidence demonstrating an impact on protein function has been reported. The following publication have been ascertained in the context of this evaluation (PMID: 14685938). Five submitters have cited clinical-significance assessments for this variant to ClinVar after 2014. All submitters classified the variant as pathogenic. Based on the evidence outlined above, the variant was classified as pathogenic.

Laboratorio de Genetica e Diagnostico Molecular, Hospital Israelita Albert Einstein
Classification: Pathogenic for Pheochromocytoma/paraganglioma syndrome 4. Last evaluated: 2021-09-27. Review status: criteria provided, single submitter. Criteria: ACMG Guidelines, 2015. Collection method: clinical testing. Allele origin: germline. Affected: yes.
Comment: ACMG classification criteria: PVS1 very strong, PS3 supporting, PS4 strong, PM2 moderate

Human Genome Sequencing Center Clinical Lab, Baylor College of Medicine
Classification: Pathogenic for Pheochromocytoma/paraganglioma syndrome 4. Last evaluated: 2018-02-06. Review status: criteria provided, single submitter. Criteria: ACMG Guidelines, 2015. Collection method: clinical testing. Allele origin: germline.
Comment: This c.79C>T (p.R27*) variant is predicted to result in a premature stop codon and has been reported in individuals with pheochromocytoma, paraganglioma and early-onset renal cell cancer (PMID: 12000816, 25215250, 18382370, 14685938, 14685938). In addition, in vitro studies have shown that the c.79C>T (p.R27*) variant alters SDHB expression and function. Therefore we classify this variant as pathogenic.

OMIM
Classification: Pathogenic for PHEOCHROMOCYTOMA/PARAGANGLIOMA SYNDROME 4. Last evaluated: 2002-05-09. Review status: no assertion criteria provided. Collection method: literature only. Allele origin: germline. Not counted in ClinVar's aggregate classification.

Section on Medical Neuroendocrinolgy, National Institutes of Health
Classification: Pathogenic for Hereditary pheochromocytoma and paraganglioma. Review status: no assertion criteria provided. Collection method: research. Allele origin: germline. Affected: yes. Not counted in ClinVar's aggregate classification.

Literature cited by the submitters: PubMed 19454582 (cited by Labcorp Genetics (formerly Invitae), Labcorp); PubMed 19802898 (cited by Labcorp Genetics (formerly Invitae), Labcorp); PubMed 12000816 (cited by Labcorp Genetics (formerly Invitae), Labcorp and OMIM); PubMed 12362046 (cited by Labcorp Genetics (formerly Invitae), Labcorp and Ambry Genetics); PubMed 14685938 (cited by 3 submitters); PubMed 18382370 (cited by Labcorp Genetics (formerly Invitae), Labcorp); PubMed 19415531 (cited by Labcorp Genetics (formerly Invitae), Labcorp and Ambry Genetics); PubMed 25215250 (cited by Labcorp Genetics (formerly Invitae), Labcorp and Ambry Genetics); PubMed 15328326 (cited by Ambry Genetics); PubMed 25972245 (cited by Ambry Genetics); PubMed 28784873 (cited by Ambry Genetics); PubMed 28973655 (cited by Ambry Genetics); PubMed 30201732 (cited by Ambry Genetics); PubMed 31666924 (cited by Ambry Genetics); PubMed 27159321 (cited by OMIM).

NM_003000.3(SDHB):c.79C>T (p.Arg27Ter)

Gene: SDHB (succinate dehydrogenase complex iron sulfur subunit B; minus strand). Cytogenetic location: 1p36.13.
Variant type: single nucleotide variant.
Coding change: c.79C>T on transcript NM_003000.3 (MANE Select); coding-DNA position 79, C replaced by T.
Protein change: p.Arg27Ter; replaces arginine 27 with a stop codon.
Molecular consequence: nonsense.
Genome position (GRCh38, 1-based): chr1:17,044,882, G>A on the plus strand (C>T on the coding strand, the complement: SDHB is on the minus strand). VCF-style: chr1-17044882-G-A. GRCh37 (hg19) VCF-style: chr1-17371377-G-A.
Other names: short protein forms R27*.
Identifiers: ClinVar variation 12783 (VCV000012783.34), dbSNP rs74315369, ClinGen allele CA016187.
Genomic context (GRCh38, chr1:17,044,882, plus strand): 5'-ATCGATAGATGGCAAATTTCTTGATACGGGGAGCTGTGGCTGCAGCTGTCTGGGCTCCTC[G>A]GGAGGCCTGAAATTTTTTAAAGTTCACAAAAAGGAAAAAAAAATTAGAAATACAAGATAA-3'